The following is an entry in ClinVar:

ClinVar aggregate classification (germline): Pathogenic (1 of 4 stars; one submission).

Submission:

Labcorp Genetics (formerly Invitae), Labcorp
Classification: Pathogenic. Last evaluated: 2021-12-21. Review status: criteria provided, single submitter. Criteria: Invitae Variant Classification Sherloc (09022015). Collection method: clinical testing. Allele origin: germline.
Comment: For these reasons, this variant has been classified as Pathogenic. This variant disrupts a region of the GNAS protein in which other variant(s) (p.Pro115) have been determined to be pathogenic (PMID: 9876352, 21274345, 28296742, 29059381). This suggests that this is a clinically significant region of the protein, and that variants that disrupt it are likely to be disease-causing. This variant has not been reported in the literature in individuals affected with GNAS-related conditions. This variant is a gross deletion of the genomic region encompassing exon(s) 5 of the GNAS gene. This variant would be expected to be in-frame, preserving the integrity of the reading frame.

Literature cited by the submitters: PubMed 9876352; PubMed 21274345; PubMed 28296742; PubMed 29059381.

NC_000020.10:g.(?_57478707)_(57478866_?)del

Gene: GNAS (GNAS complex locus; plus strand). Cytogenetic location: 20q13.32.
Variant type: Deletion.
Identifiers: ClinVar variation 2423187 (VCV002423187.4).